The following is an entry in ClinVar:

NM_012330.4(KAT6B):c.1549C>T (p.Pro517Ser)

Gene: KAT6B (lysine acetyltransferase 6B; plus strand). Cytogenetic location: 10q22.2.
Variant type: single nucleotide variant.
Coding change: c.1549C>T on transcript NM_012330.4 (MANE Select); coding-DNA position 1549, C replaced by T.
Protein change: p.Pro517Ser; replaces proline 517 with serine.
Molecular consequence: missense variant. On other transcripts: intron variant (13).
Genome position (GRCh38, 1-based): chr10:74,975,886, C>T. VCF-style: chr10-74975886-C-T. GRCh37 (hg19) VCF-style: chr10-76735644-C-T.
Other names: c.1549C>T, p.Pro517Ser (NM_001370136.1, NM_001370137.1); c.1117+432C>T (NM_001370139.1, NM_001370140.1, NM_001370141.1 and 3 more transcripts); c.1444+105C>T (NM_001370138.1, NM_001256468.2); c.846+6111C>T (NM_001370133.1); c.193-3338C>T (NM_001370134.1); c.929-1430C>T (NM_001370143.1, NM_001370144.1); c.193-13133C>T (NM_001370135.1); short protein forms P517S.
Identifiers: ClinVar variation 2868471 (VCV002868471.3), dbSNP rs2548954697, ClinGen allele CA377287045.

ClinVar aggregate classification (germline): Uncertain significance (1 of 4 stars; one submission).

Conditions:
Genitopatellar syndrome (GTPTS). Also called: Genitopatellar syndrome (GPS); ABSENT PATELLAE, SCROTAL HYPOPLASIA, RENAL ANOMALIES, FACIAL DYSMORPHISM, AND MENTAL RETARDATION. Identifiers: Orphanet 85201, MedGen C1853566, MONDO:0011640, OMIM 606170.

Submission:

Labcorp Genetics (formerly Invitae), Labcorp
Classification: Uncertain significance for Genitopatellar syndrome. Last evaluated: 2023-10-22. Review status: criteria provided, single submitter. Criteria: Invitae Variant Classification Sherloc (09022015). Collection method: clinical testing. Allele origin: germline.
Comment: This sequence change replaces proline, which is neutral and non-polar, with serine, which is neutral and polar, at codon 517 of the KAT6B protein (p.Pro517Ser). This variant is not present in population databases (gnomAD no frequency). This variant has not been reported in the literature in individuals affected with KAT6B-related conditions. An algorithm developed to predict the effect of missense changes on protein structure and function (PolyPhen-2) suggests that this variant is likely to be tolerated. In summary, the available evidence is currently insufficient to determine the role of this variant in disease. Therefore, it has been classified as a Variant of Uncertain Significance.